The following is an entry in ClinVar:

NM_000098.3(CPT2):c.88G>T (p.Gly30Trp)

Genes: CPT2 (carnitine palmitoyltransferase 2; plus strand), LOC129930561 (ATAC-STARR-seq lymphoblastoid silent region 902; plus strand). Cytogenetic location: 1p32.3.
Variant type: single nucleotide variant.
Coding change: c.88G>T on transcript NM_000098.3 (MANE Select); coding-DNA position 88, G replaced by T.
Protein change: p.Gly30Trp; replaces glycine 30 with tryptophan.
Molecular consequence: missense variant.
Genome position (GRCh38, 1-based): chr1:53,197,031, G>T. VCF-style: chr1-53197031-G-T. GRCh37 (hg19) VCF-style: chr1-53662703-G-T.
Other names: c.88G>T, p.Gly30Trp (NM_001330589.2); short protein forms G30W.
Identifiers: ClinVar variation 999357 (VCV000999357.2), dbSNP rs937940197, ClinGen allele CA340388715.

ClinVar aggregate classification (germline): Uncertain significance (1 of 4 stars; one submission).

Conditions:
Carnitine palmitoyltransferase II deficiency. Also called: Carnitine Palmitoyltransferase 2 Deficiency. Identifiers: Orphanet 157, MedGen C0342790, MONDO:0015515.

Submission:

Labcorp Genetics (formerly Invitae), Labcorp
Classification: Uncertain significance for Carnitine palmitoyltransferase II deficiency. Last evaluated: 2021-09-01. Review status: criteria provided, single submitter. Criteria: Invitae Variant Classification Sherloc (09022015). Collection method: clinical testing. Allele origin: germline.
Comment: This sequence change replaces glycine with tryptophan at codon 30 of the CPT2 protein (p.Gly30Trp). The glycine residue is weakly conserved and there is a large physicochemical difference between glycine and tryptophan. The frequency data for this variant in the population databases is considered unreliable, as metrics indicate insufficient coverage at this position in the ExAC database. This variant has not been reported in the literature in individuals affected with CPT2-related conditions. Algorithms developed to predict the effect of missense changes on protein structure and function output the following: SIFT: "Deleterious"; PolyPhen-2: "Possibly Damaging"; Align-GVGD: "Class C0". The tryptophan amino acid residue is found in multiple mammalian species, which suggests that this missense change does not adversely affect protein function. In summary, the available evidence is currently insufficient to determine the role of this variant in disease. Therefore, it has been classified as a Variant of Uncertain Significance.